The following is an entry in ClinVar:

ClinVar aggregate classification (germline): Likely pathogenic (1 of 4 stars; one submission).

Submission:

GeneDx
Classification: Likely pathogenic. Last evaluated: 2019-02-04. Review status: criteria provided, single submitter. Criteria: GeneDx Variant Classification (06012015). Collection method: clinical testing. Allele origin: germline. Affected: yes.
Comment: The c.479_486delGCGCGCAT variant in the NHLRC1 gene has not been reported previously as a pathogenic variant nor as a benign variant, to our knowledge. The c.479_486delGCGCGCAT variant causes a frameshift starting with codon Cysteine 160, changes this amino acid to a Serine residue, and creates a premature Stop codon at position 13 of the new reading frame, denoted p.Cys160SerfsX13. This variant is predicted to cause loss of normal protein function through protein truncation where the last 236 amino acids are lost and replaced with 12 incorrect amino acids. The c.479_486delGCGCGCAT variant is not observed in large population cohorts (Lek et al., 2016). We interpret c.479_486delGCGCGCAT as a likely pathogenic variant.

NM_198586.3(NHLRC1):c.479_486del (p.Cys160fs)

Gene: NHLRC1 (NHL repeat containing E3 ubiquitin protein ligase 1; minus strand). Cytogenetic location: 6p22.3.
Variant type: Deletion.
Coding change: c.479_486del on transcript NM_198586.3 (MANE Select); coding-DNA positions 479 to 486, 8 bases deleted (GCGCGCAT; older notation c.479_486delGCGCGCAT).
Protein change: p.Cys160fs; shifts the reading frame from cysteine 160.
Molecular consequence: frameshift variant.
Genome position (GRCh38, 1-based): chr6:18,122,121-18,122,128, ATGCGCGC deleted on the plus strand (GCGCGCAT on the coding strand, the reverse complement: NHLRC1 is on the minus strand); deleting any 8 consecutive bases within chr6:18,122,121-18,122,130 gives the same sequence; the c. name uses the placement nearest the transcript's 3' end. VCF-style (leftmost placement, unchanged base first): chr6-18122120-GATGCGCGC-G. GRCh37 (hg19) VCF-style: chr6-18122351-GATGCGCGC-G.
Other names: short protein forms C160fs.
Identifiers: ClinVar variation 818016 (VCV000818016.1), dbSNP rs1582030118, ClinGen allele CA915944157.